The following is an entry in ClinVar:

ClinVar aggregate classification (germline): Uncertain significance (1 of 4 stars; one submission).

gnomAD v4.1: 4 of 1,614,106 alleles (0.00025%); highest among the groups gnomAD compares: Admixed American, 0.0017%; no homozygotes.

Submission:

Labcorp Genetics (formerly Invitae), Labcorp
Classification: Uncertain significance. Last evaluated: 2024-04-22. Review status: criteria provided, single submitter. Criteria: Invitae Variant Classification Sherloc (09022015). Collection method: clinical testing. Allele origin: germline.
Comment: This sequence change replaces glutamine, which is neutral and polar, with proline, which is neutral and non-polar, at codon 928 of the DSG1 protein (p.Gln928Pro). This variant is present in population databases (no rsID available, gnomAD 0.0009%). This variant has not been reported in the literature in individuals affected with DSG1-related conditions. An algorithm developed to predict the effect of missense changes on protein structure and function (PolyPhen-2) suggests that this variant is likely to be disruptive. In summary, the available evidence is currently insufficient to determine the role of this variant in disease. Therefore, it has been classified as a Variant of Uncertain Significance.

NM_001942.4(DSG1):c.2783A>C (p.Gln928Pro)

Genes: DSG1 (desmoglein 1; plus strand), DSG1-AS1 (DSG1 antisense RNA 1; minus strand). Cytogenetic location: 18q12.1.
Variant type: single nucleotide variant.
Coding change: c.2783A>C on transcript NM_001942.4 (MANE Select); coding-DNA position 2783, A replaced by C.
Protein change: p.Gln928Pro; replaces glutamine 928 with proline.
Molecular consequence: missense variant.
Genome position (GRCh38, 1-based): chr18:31,354,979, A>C. VCF-style: chr18-31354979-A-C. GRCh37 (hg19) VCF-style: chr18-28934942-A-C.
Other names: short protein forms Q928P.
Identifiers: ClinVar variation 3699747 (VCV003699747.2).